The following is an entry in ClinVar:

NM_012123.4(MTO1):c.1756+5A>T

Gene: MTO1 (mitochondrial tRNA translation optimization 1; plus strand). Cytogenetic location: 6q13.
Variant type: single nucleotide variant.
Coding change: c.1756+5A>T on transcript NM_012123.4 (MANE Select); 5 bases into the intron after coding-DNA position 1756, A replaced by T.
Molecular consequence: intron variant.
Genome position (GRCh38, 1-based): chr6:73,492,357, A>T. VCF-style: chr6-73492357-A-T. GRCh37 (hg19) VCF-style: chr6-74202080-A-T.
Other names: c.1831+5A>T (NM_133645.3); c.1876+5A>T (NM_001123226.2).
Identifiers: ClinVar variation 2116669 (VCV002116669.4), dbSNP rs2533302099, ClinGen allele CA2580075756.
Genomic context (GRCh38, chr6:73,492,357, plus strand): 5'-GCCCTTGAAGAAGTATACTAAATGTAGAGAGCTGGCTGAAAGACTGAAAATAGAAGGTAG[A>T]AAATAATTTTTGACTTAACATACCTTTATCATATGTGCAAATTATGAATAGACAACAGAT-3'

ClinVar aggregate classification (germline): Uncertain significance (1 of 4 stars; one submission).

Conditions:
Mitochondrial hypertrophic cardiomyopathy with lactic acidosis due to MTO1 deficiency. Also called: Combined oxidative phosphorylation deficiency 10; CARDIOMYOPATHY, INFANTILE HYPERTROPHIC MITOCHONDRIAL, AND LACTIC ACIDOSIS. Identifiers: Orphanet 314637, MedGen C4749921, MONDO:0013865, OMIM 614702.

Submission:

Labcorp Genetics (formerly Invitae), Labcorp
Classification: Uncertain significance for Mitochondrial hypertrophic cardiomyopathy with lactic acidosis due to MTO1 deficiency. Last evaluated: 2024-12-16. Review status: criteria provided, single submitter. Criteria: Invitae Variant Classification Sherloc (09022015). Collection method: clinical testing. Allele origin: germline.
Comment: This sequence change falls in intron 10 of the MTO1 gene. It does not directly change the encoded amino acid sequence of the MTO1 protein. It affects a nucleotide within the consensus splice site. This variant is not present in population databases (gnomAD no frequency). This variant has not been reported in the literature in individuals affected with MTO1-related conditions. ClinVar contains an entry for this variant (Variation ID: 2116669). Variants that disrupt the consensus splice site are a relatively common cause of aberrant splicing (PMID: 17576681, 9536098). Algorithms developed to predict the effect of sequence changes on RNA splicing suggest that this variant is not likely to affect RNA splicing. In summary, the available evidence is currently insufficient to determine the role of this variant in disease. Therefore, it has been classified as a Variant of Uncertain Significance.

Literature cited by the submitters: PubMed 17576681; PubMed 9536098.